The following is an entry in ClinVar:

ClinVar aggregate classification (germline): Pathogenic/Likely pathogenic. Review status: criteria provided, multiple submitters, no conflicts (2 of 4 stars). 4 submissions from 4 submitters: Pathogenic (3); Likely pathogenic (1). Last evaluated 2024-05-24.

Conditions:
Xeroderma pigmentosum (XP). Identifiers: Orphanet 910, MedGen C0043346, MONDO:0019600.
ERCC2-related disorder. Also called: ERCC2-related conditions; ERCC2-related condition; ERCC2-related disorders. Identifiers: MedGen CN239291.
Cerebrooculofacioskeletal syndrome 2 (COFS2). Identifiers: MedGen C1853102, MONDO:0012553, OMIM 610756.

Submissions (4):

Myriad Genetics, Inc.
Classification: Pathogenic for ERCC2-related disorder. Last evaluated: 2024-05-24. Review status: criteria provided, single submitter. Criteria: Myriad Autosomal Dominant, Autosomal Recessive and X-Linked Classification Criteria (2023). Collection method: clinical testing. Allele origin: unknown.
Comment: NM_000400.3(ERCC2):c.262C>T(R88*) is expected to be pathogenic in the context of ERCC2-related disorders. This variant is predicted to lead to an abnormal or absent protein product due to the creation of a premature termination codon in ERCC2, a gene where loss-of-function variants are known to be pathogenic. Please note: this variant was assessed in the context of healthy population screening.

Women's Health and Genetics/Laboratory Corporation of America, LabCorp
Classification: Pathogenic for Xeroderma pigmentosum. Last evaluated: 2023-05-25. Review status: criteria provided, single submitter. Criteria: LabCorp Variant Classification Summary - May 2015. Collection method: clinical testing. Allele origin: germline.
Comment: Variant summary: ERCC2 c.262C>T (p.Arg88X) results in a premature termination codon, predicted to cause a truncation of the encoded protein or absence of the protein due to nonsense mediated decay, which are commonly known mechanisms for disease. Variants downstream of this position have been classified as pathogenic by our laboratory and in ClinVar. The variant allele was found at a frequency of 8.1e-06 in 248228 control chromosomes (gnomAD). To our knowledge, no occurrence of c.262C>T in individuals affected with Xeroderma Pigmentosum and no experimental evidence demonstrating its impact on protein function have been reported. No clinical diagnostic laboratories have submitted clinical-significance assessments for this variant to ClinVar after 2014. Based on the evidence outlined above, the variant was classified as pathogenic.

Labcorp Genetics (formerly Invitae), Labcorp
Classification: Pathogenic. Last evaluated: 2023-01-24. Review status: criteria provided, single submitter. Criteria: Invitae Variant Classification Sherloc (09022015). Collection method: clinical testing. Allele origin: germline.
Comment: This sequence change creates a premature translational stop signal (p.Arg88*) in the ERCC2 gene. It is expected to result in an absent or disrupted protein product. Loss-of-function variants in ERCC2 are known to be pathogenic (PMID: 9238033, 11335038, 19085937, 19934020). For these reasons, this variant has been classified as Pathogenic. Algorithms developed to predict the effect of sequence changes on RNA splicing suggest that this variant may disrupt the consensus splice site. This variant has not been reported in the literature in individuals affected with ERCC2-related conditions. This variant is present in population databases (rs748842373, gnomAD 0.002%).

Baylor Genetics
Classification: Likely pathogenic for Cerebrooculofacioskeletal syndrome 2. Last evaluated: 2022-04-06. Review status: criteria provided, single submitter. Criteria: ACMG Guidelines, 2015. Collection method: clinical testing. Allele origin: unknown.

Literature cited by the submitters: PubMed 9238033 (cited by Labcorp Genetics (formerly Invitae), Labcorp); PubMed 11335038 (cited by Labcorp Genetics (formerly Invitae), Labcorp); PubMed 19085937 (cited by Labcorp Genetics (formerly Invitae), Labcorp); PubMed 19934020 (cited by Labcorp Genetics (formerly Invitae), Labcorp).

NM_000400.4(ERCC2):c.262C>T (p.Arg88Ter)

Gene: ERCC2 (ERCC excision repair 2, TFIIH core complex helicase subunit; minus strand). Cytogenetic location: 19q13.32.
Variant type: single nucleotide variant.
Coding change: c.262C>T on transcript NM_000400.4 (MANE Select); coding-DNA position 262, C replaced by T.
Protein change: p.Arg88Ter; replaces arginine 88 with a stop codon.
Molecular consequence: nonsense.
Genome position (GRCh38, 1-based): chr19:45,368,728, G>A on the plus strand (C>T on the coding strand, the complement: ERCC2 is on the minus strand). VCF-style: chr19-45368728-G-A. GRCh37 (hg19) VCF-style: chr19-45871986-G-A.
Other names: c.190C>T, p.Arg64Ter (NM_001130867.2); short protein forms R64*, R88*.
Identifiers: ClinVar variation 2506192 (VCV002506192.6), dbSNP rs748842373, ClinGen allele CA9513844.